The following is an entry in ClinVar:

NM_004375.5(COX11):c.372T>C (p.Thr124=)

Gene: COX11 (cytochrome c oxidase copper chaperone COX11; minus strand). Cytogenetic location: 17q22.
Variant type: single nucleotide variant.
Coding change: c.372T>C on transcript NM_004375.5 (MANE Select); coding-DNA position 372, T replaced by C.
Protein change: p.Thr124=; no amino-acid change (threonine 124 retained).
Molecular consequence: synonymous variant. On other transcripts: non-coding transcript variant (3).
Genome position (GRCh38, 1-based): chr17:54,964,847, A>G on the plus strand (T>C on the coding strand, the complement: COX11 is on the minus strand). VCF-style: chr17-54964847-A-G. GRCh37 (hg19) VCF-style: chr17-53042208-A-G.
Other names: c.372T>C, p.Thr124= (NM_001162861.2, NM_001162862.2, NM_001321518.1).
Identifiers: ClinVar variation 4871980 (VCV004871980.2).

ClinVar aggregate classification (germline): Likely benign (1 of 4 stars; one submission).

gnomAD v4.1: 5,316 of 1,612,210 alleles (0.33%); highest among the groups gnomAD compares: Non-Finnish European, 0.39%; 17 homozygotes.

Submission:

CeGaT Center for Human Genetics Tuebingen
Classification: Likely benign. Last evaluated: 2026-09-01. Review status: criteria provided, single submitter. Criteria: CeGaT Center For Human Genetics Tuebingen Variant Classification Criteria Version 2. Collection method: clinical testing. Allele origin: germline. Affected: yes. Observed: 4 variant alleles.
Comment: COX11: BP4, BP7, BS2